The following is an entry in ClinVar:

ClinVar aggregate classification (germline): Uncertain significance (1 of 4 stars; one submission).

Allele frequency attached by ClinVar (database versions not stated): ExAC 0.00002; gnomAD 0.00003; TOPMed 0.00003; ESP Exome Variant Server 0.00008.
gnomAD v4.1: 45 of 1,572,668 alleles (0.0029%); highest among the groups gnomAD compares: Non-Finnish European, 0.0033%; no homozygotes.

Submission:

Labcorp Genetics (formerly Invitae), Labcorp
Classification: Uncertain significance. Last evaluated: 2022-05-19. Review status: criteria provided, single submitter. Criteria: Invitae Variant Classification Sherloc (09022015). Collection method: clinical testing. Allele origin: germline.
Comment: This sequence change replaces serine, which is neutral and polar, with arginine, which is basic and polar, at codon 40 of the IFT52 protein (p.Ser40Arg). This variant is present in population databases (rs201225510, gnomAD 0.004%). This variant has not been reported in the literature in individuals affected with IFT52-related conditions. Algorithms developed to predict the effect of missense changes on protein structure and function are either unavailable or do not agree on the potential impact of this missense change (SIFT: "Not Available"; PolyPhen-2: "Benign"; Align-GVGD: "Not Available"). In summary, the available evidence is currently insufficient to determine the role of this variant in disease. Therefore, it has been classified as a Variant of Uncertain Significance.

NM_016004.5(IFT52):c.120C>G (p.Ser40Arg)

Gene: IFT52 (intraflagellar transport 52; plus strand). Cytogenetic location: 20q13.12.
Variant type: single nucleotide variant.
Coding change: c.120C>G on transcript NM_016004.5 (MANE Select); coding-DNA position 120, C replaced by G.
Protein change: p.Ser40Arg; replaces serine 40 with arginine.
Molecular consequence: missense variant. On other transcripts: 5 prime UTR variant (4).
Genome position (GRCh38, 1-based): chr20:43,596,435, C>G. VCF-style: chr20-43596435-C-G. GRCh37 (hg19) VCF-style: chr20-42225075-C-G.
Other names: c.120C>G, p.Ser40Arg (NM_001303458.3, NM_001303459.3); c.-552C>G (NM_001323578.2, NM_001323580.2); c.-645C>G (NM_001323579.2, NM_001323581.2); short protein forms S40R.
Identifiers: ClinVar variation 1902618 (VCV001902618.2), dbSNP rs201225510, ClinGen allele CA9866779.
Genomic context (GRCh38, chr20:43,596,435, plus strand): 5'-TAATACATAAATTGGTTTAAATTATGGACTTCATATTTGCTTTTAAAATTGTATTTCCAG[C>G]TTAAAAGATGAAATCACATCTGAGAAGTTAAATGGAGTGAAACTGTGGATTACAGCTGGG-3'
Protein context (NP_057088.2, residues 30-50): KKLRSNWKIQ[Ser40Arg]LKDEITSEKL